The following is an entry in ClinVar:

ClinVar aggregate classification (germline): Uncertain significance. Review status: criteria provided, multiple submitters, no conflicts (2 of 4 stars). 2 submissions from 2 submitters: Uncertain significance (2). Last evaluated 2024-10-30.

Conditions:
Inborn genetic diseases. Identifiers: MedGen C0950123, MeSH D030342.
Fibrous dysplasia of jaw (CRBM). Also called: Cherubism. Identifiers: Orphanet 184, MedGen C0008029, MONDO:0007315, OMIM 118400.

Allele frequency attached by ClinVar (database versions not stated): TOPMed below 0.00001.

Submissions (2):

Labcorp Genetics (formerly Invitae), Labcorp
Classification: Uncertain significance for Fibrous dysplasia of jaw. Last evaluated: 2024-10-30. Review status: criteria provided, single submitter. Criteria: Invitae Variant Classification Sherloc (09022015). Collection method: clinical testing. Allele origin: germline.
Comment: This sequence change replaces proline, which is neutral and non-polar, with serine, which is neutral and polar, at codon 69 of the SH3BP2 protein (p.Pro69Ser). This variant is present in population databases (no rsID available, gnomAD 0.003%). This variant has not been reported in the literature in individuals affected with SH3BP2-related conditions. ClinVar contains an entry for this variant (Variation ID: 1913846). Invitae Evidence Modeling of protein sequence and biophysical properties (such as structural, functional, and spatial information, amino acid conservation, physicochemical variation, residue mobility, and thermodynamic stability) indicates that this missense variant is not expected to disrupt SH3BP2 protein function with a negative predictive value of 95%. In summary, the available evidence is currently insufficient to determine the role of this variant in disease. Therefore, it has been classified as a Variant of Uncertain Significance.

Ambry Genetics
Classification: Uncertain significance for Inborn genetic diseases. Last evaluated: 2024-05-30. Review status: criteria provided, single submitter. Criteria: Ambry Variant Classification Scheme 2023. Collection method: clinical testing. Allele origin: germline.

NM_001122681.2(SH3BP2):c.205C>T (p.Pro69Ser)

Gene: SH3BP2 (SH3 domain binding protein 2; plus strand). Cytogenetic location: 4p16.3.
Variant type: single nucleotide variant.
Coding change: c.205C>T on transcript NM_001122681.2 (MANE Select); coding-DNA position 205, C replaced by T.
Protein change: p.Pro69Ser; replaces proline 69 with serine.
Molecular consequence: missense variant.
Genome position (GRCh38, 1-based): chr4:2,823,003, C>T. VCF-style: chr4-2823003-C-T. GRCh37 (hg19) VCF-style: chr4-2824730-C-T.
Other names: c.289C>T, p.Pro97Ser (NM_001145855.2); c.376C>T, p.Pro126Ser (NM_001145856.2); c.205C>T, p.Pro69Ser (NM_003023.4); short protein forms P69S, P97S, P126S.
Identifiers: ClinVar variation 1913846 (VCV001913846.6), dbSNP rs1453291264, ClinGen allele CA356053585.